The following is an entry in ClinVar:

ClinVar aggregate classification (germline): Uncertain significance (1 of 4 stars; one submission).

Allele frequency attached by ClinVar (database versions not stated): gnomAD exomes below 0.00001.
gnomAD v4.1: 1 of 1,613,464 alleles (0.000062%); highest among the groups gnomAD compares: Non-Finnish European, 0.000085%; no homozygotes.

Submission:

Labcorp Genetics (formerly Invitae), Labcorp
Classification: Uncertain significance. Last evaluated: 2021-09-14. Review status: criteria provided, single submitter. Criteria: Invitae Variant Classification Sherloc (09022015). Collection method: clinical testing. Allele origin: germline.
Comment: This sequence change replaces histidine with proline at codon 174 of the ADAMTSL4 protein (p.His174Pro). The histidine residue is moderately conserved and there is a moderate physicochemical difference between histidine and proline. This variant is not present in population databases (ExAC no frequency). This variant has not been reported in the literature in individuals affected with ADAMTSL4-related conditions. Algorithms developed to predict the effect of missense changes on protein structure and function (SIFT, PolyPhen-2, Align-GVGD) all suggest that this variant is likely to be tolerated. In summary, the available evidence is currently insufficient to determine the role of this variant in disease. Therefore, it has been classified as a Variant of Uncertain Significance.

NM_019032.6(ADAMTSL4):c.521A>C (p.His174Pro)

Genes: ADAMTSL4 (ADAMTS like 4; plus strand), ADAMTSL4-AS2 (ADAMTSL4 antisense RNA 2; minus strand). Cytogenetic location: 1q21.2.
Variant type: single nucleotide variant.
Coding change: c.521A>C on transcript NM_019032.6 (MANE Select); coding-DNA position 521, A replaced by C.
Protein change: p.His174Pro; replaces histidine 174 with proline.
Molecular consequence: missense variant.
Genome position (GRCh38, 1-based): chr1:150,553,512, A>C. VCF-style: chr1-150553512-A-C. GRCh37 (hg19) VCF-style: chr1-150525988-A-C.
Other names: c.521A>C, p.His174Pro (NM_001288607.2, NM_001288608.2, NM_001378596.1 and 1 more transcripts); short protein forms H174P.
Identifiers: ClinVar variation 1441603 (VCV001441603.6), dbSNP rs2101577098, ClinGen allele CA342301185.
Genomic context (GRCh38, chr1:150,553,512, plus strand): 5'-CAGGAATGTTCGGTTATGGGAGAGTGCCCTTTGCATTGCCACTGCACCGGAACCGCAGGC[A>C]CCCTCGGAGCCCACCCAGATCTGAGCTGTCCCTGATCTCTTCTAGAGGGGAAGAGGCTAT-3'
Protein context (NP_061905.2, residues 164-184): FALPLHRNRR[His174Pro]PRSPPRSELS